The following is an entry in ClinVar:

ClinVar aggregate classification (germline): Likely benign. Review status: criteria provided, multiple submitters, no conflicts (2 of 4 stars). 2 submissions from 2 submitters: Likely benign (2). Last evaluated 2025-09-24.

Conditions:
Chédiak-Higashi syndrome (CHS). Also called: Chediak-Higashi Syndrome. Identifiers: Orphanet 167, MedGen C0007965, MONDO:0008963, OMIM 214500.

Allele frequency attached by ClinVar (database versions not stated): gnomAD exomes 0.00001; ExAC 0.00002; gnomAD 0.00004; TOPMed 0.00006; ESP Exome Variant Server 0.00008.
gnomAD v4.1: 16 of 1,614,060 alleles (0.00099%); highest among the groups gnomAD compares: African/African-American, 0.004%; no homozygotes.

Submissions (2):

Mayo Clinic Laboratories, Mayo Clinic
Classification: Likely benign. Last evaluated: 2025-09-24. Review status: criteria provided, single submitter. Criteria: ACMG Guidelines, 2015. Collection method: clinical testing. Allele origin: germline. Observed: 1 variant allele.
Comment: BP4, BP7

Labcorp Genetics (formerly Invitae), Labcorp
Classification: Likely benign for Chédiak-Higashi syndrome. Last evaluated: 2025-09-21. Review status: criteria provided, single submitter. Criteria: Invitae Variant Classification Sherloc (09022015). Collection method: clinical testing. Allele origin: germline.

NM_000081.4(LYST):c.6762C>T (p.Asn2254=)

Gene: LYST (lysosomal trafficking regulator; minus strand). Cytogenetic location: 1q42.3.
Variant type: single nucleotide variant.
Coding change: c.6762C>T on transcript NM_000081.4 (MANE Select); coding-DNA position 6762, C replaced by T.
Protein change: p.Asn2254=; no amino-acid change (asparagine 2254 retained).
Molecular consequence: synonymous variant.
Genome position (GRCh38, 1-based): chr1:235,759,091, G>A on the plus strand (C>T on the coding strand, the complement: LYST is on the minus strand). VCF-style: chr1-235759091-G-A. GRCh37 (hg19) VCF-style: chr1-235922391-G-A.
Other names: p.Asn2254=; c.6762C>T, p.Asn2254= (NM_001301365.1).
Identifiers: ClinVar variation 1665849 (VCV001665849.9), dbSNP rs369763211, ClinGen allele CA1466320.